The following is an entry in ClinVar:

NM_015488.5(PNKD):c.1090G>A (p.Asp364Asn)

Genes: CATIP-AS2 (CATIP antisense RNA 2; minus strand), PNKD (PNKD metallo-beta-lactamase domain containing; plus strand). Cytogenetic location: 2q35.
Variant type: single nucleotide variant.
Coding change: c.1090G>A on transcript NM_015488.5 (MANE Select); coding-DNA position 1090, G replaced by A.
Protein change: p.Asp364Asn; replaces aspartic acid 364 with asparagine.
Molecular consequence: missense variant.
Genome position (GRCh38, 1-based): chr2:218,344,913, G>A. VCF-style: chr2-218344913-G-A. GRCh37 (hg19) VCF-style: chr2-219209636-G-A.
Other names: c.1018G>A, p.Asp340Asn (NM_022572.5); short protein forms D340N, D364N.
Identifiers: ClinVar variation 936725 (VCV000936725.9), dbSNP rs766821861, ClinGen allele CA2104203.

ClinVar aggregate classification (germline): Uncertain significance. Review status: criteria provided, multiple submitters, no conflicts (2 of 4 stars). 3 submissions from 3 submitters: Uncertain significance (3). Last evaluated 2026-02-16.

Conditions:
Inborn genetic diseases. Identifiers: MedGen C0950123, MeSH D030342.
Paroxysmal nonkinesigenic dyskinesia. Also called: Paroxysmal non-kinesigenic dyskinesia. Identifiers: Orphanet 98810, MedGen C1869117, MONDO:0700088.

Allele frequency attached by ClinVar (database versions not stated): gnomAD exomes 0.00001 and 0.00003; TOPMed 0.00002; ExAC 0.00003.
gnomAD v4.1: 14 of 1,614,040 alleles (0.00087%); highest among the groups gnomAD compares: Admixed American, 0.012%; no homozygotes.

Submissions (3):

Women's Health and Genetics/Laboratory Corporation of America, LabCorp
Classification: Uncertain significance. Last evaluated: 2026-02-16. Review status: criteria provided, single submitter. Criteria: LabCorp Variant Classification Summary - May 2015. Collection method: clinical testing. Allele origin: germline.
Comment: Variant summary: PNKD c.1090G>A (p.Asp364Asn) results in a conservative amino acid change in the encoded protein sequence. Algorithms developed to predict the effect of missense changes on protein structure and function all suggest that this variant is likely to be tolerated. The variant allele was found at a frequency of 2.8e-05 in 249778 control chromosomes. The available data on variant occurrences in the general population are insufficient to allow any conclusion about variant significance. To our knowledge, no occurrence of c.1090G>A in individuals affected with PNKD-related conditions and no experimental evidence demonstrating its impact on protein function have been reported. ClinVar contains an entry for this variant (Variation ID: 936725). Based on the evidence outlined above, the variant was classified as uncertain significance.

Labcorp Genetics (formerly Invitae), Labcorp
Classification: Uncertain significance for Paroxysmal nonkinesigenic dyskinesia. Last evaluated: 2025-10-29. Review status: criteria provided, single submitter. Criteria: Invitae Variant Classification Sherloc (09022015). Collection method: clinical testing. Allele origin: germline.
Comment: This sequence change replaces aspartic acid, which is acidic and polar, with asparagine, which is neutral and polar, at codon 364 of the PNKD protein (p.Asp364Asn). This variant is present in population databases (rs766821861, gnomAD 0.02%). This variant has not been reported in the literature in individuals affected with PNKD-related conditions. ClinVar contains an entry for this variant (Variation ID: 936725). An algorithm developed to predict the effect of missense changes on protein structure and function outputs the following: PolyPhen-2: "Benign". The asparagine amino acid residue is found in multiple mammalian species, which suggests that this missense change does not adversely affect protein function. In summary, the available evidence is currently insufficient to determine the role of this variant in disease. Therefore, it has been classified as a Variant of Uncertain Significance.

Ambry Genetics
Classification: Uncertain significance for Inborn genetic diseases. Last evaluated: 2025-02-12. Review status: criteria provided, single submitter. Criteria: Ambry Variant Classification Scheme 2023. Collection method: clinical testing. Allele origin: germline.